The following is an entry in ClinVar:

NM_153717.3(EVC):c.1887-2A>T

Gene: EVC (EvC ciliary complex subunit 1; plus strand). Cytogenetic location: 4p16.2.
Variant type: single nucleotide variant.
Coding change: c.1887-2A>T on transcript NM_153717.3 (MANE Select); the canonical splice acceptor site of the intron before coding-DNA position 1887, A replaced by T.
Molecular consequence: splice acceptor variant.
Genome position (GRCh38, 1-based): chr4:5,797,020, A>T. VCF-style: chr4-5797020-A-T. GRCh37 (hg19) VCF-style: chr4-5798747-A-T.
Other names: c.1887-2A>T (NM_001306090.2).
Identifiers: ClinVar variation 2022291 (VCV002022291.4), dbSNP rs2474380998, ClinGen allele CA356143631.

ClinVar aggregate classification (germline): Likely pathogenic (1 of 4 stars; one submission).

Conditions:
Ellis-van Creveld syndrome (EVC). Also called: EVC-Related Ellis-van Creveld Syndrome; EVC2-Related Ellis-van Creveld Syndrome; MESOECTODERMAL DYSPLASIA; Chondroectodermal dysplasia. Identifiers: Orphanet 289, MedGen C0013903, MONDO:0009162, OMIM 225500.
Curry-Hall syndrome (WAD). Also called: WEYERS ACRODENTAL DYSOSTOSIS. Identifiers: Orphanet 952, MedGen C0457013, MONDO:0008673, OMIM 193530.

Submission:

Labcorp Genetics (formerly Invitae), Labcorp
Classification: Likely pathogenic for Curry-Hall syndrome; Ellis-van Creveld syndrome. Last evaluated: 2022-08-20. Review status: criteria provided, single submitter. Criteria: Invitae Variant Classification Sherloc (09022015). Collection method: clinical testing. Allele origin: germline.
Comment: Algorithms developed to predict the effect of sequence changes on RNA splicing suggest that this variant may disrupt the consensus splice site. In summary, the currently available evidence indicates that the variant is pathogenic, but additional data are needed to prove that conclusively. Therefore, this variant has been classified as Likely Pathogenic. This variant has not been reported in the literature in individuals affected with EVC-related conditions. This variant is not present in population databases (gnomAD no frequency). This sequence change affects an acceptor splice site in intron 13 of the EVC gene. It is expected to disrupt RNA splicing. Variants that disrupt the donor or acceptor splice site typically lead to a loss of protein function (PMID: 16199547), and loss-of-function variants in EVC are known to be pathogenic (PMID: 23220543).

Literature cited by the submitters: PubMed 16199547; PubMed 23220543.